The following is an entry in ClinVar:

ClinVar aggregate classification (germline): Pathogenic (1 of 4 stars; one submission).

Submission:

Illumina Laboratory Services, Illumina
Classification: Pathogenic. Last evaluated: 2021-01-22. Review status: criteria provided, single submitter. Criteria: ICSL CNVClassificationCriteria Aug2020. Collection method: clinical testing. Allele origin: unknown.
Comment: This CNV is a 3.6 Mb loss of 22q13.31-q13.33, on chromosome 22, (seq[GRCh37]del(22)(q13.31q13.33); chr22:g.47554026_51186813del) found in a de novo state. This CNV constitutes a terminal deletion encompassing 38 protein coding genes, which includes the SHANK3 gene and overlaps the well-described 22q13.3 deletion syndrome, also known as Phelan-McDermid syndrome (Phelan et al. 2018). Similar deletions and smaller CNV losses which are completely contained within this CNV have been reported in many individuals with phenotypes consistent with Phelan-McDermid syndrome, with at least four of them found in a de novo state (Delahaye et al. 2009; Bocutto et al. 2013; Zwanenburg et al. 2016; Mitz et al. 2018). This CNV has not been reported in controls. Based on the collective evidence, the 3.6 Mb loss of 22q13.31-q13.33 (seq[GRCh37]del(22)(q13.31q13.33); chr22:g.47554026_51186813del) is classified as pathogenic.

Literature cited by the submitters: PubMed 19454329; PubMed 20301377; PubMed 22892527; PubMed 27118998; PubMed 29358616.

GRCh37/hg19 22q13.31-13.33(chr22:47554026-51186813)x1

Genes: ZBED4 (zinc finger BED-type containing 4; plus strand), ACR (acrosin; plus strand), ADM2 (adrenomedullin 2; plus strand), ALG12 (ALG12 alpha-1,6-mannosyltransferase; minus strand), ARSA (arylsulfatase A; minus strand) and 32 more. Cytogenetic location: 22q13.31-13.33.
Variant type: copy number loss.
Change: copy number 1 (one copy instead of two) of chr22:47,554,026-51,186,813 (3.63 Mb, GRCh37 coordinates, 1-based), cytogenetic band 22q13.31-13.33.
Identifiers: ClinVar variation 1328447 (VCV001328447.4).